The following is an entry in ClinVar:

ClinVar aggregate classification (germline): Pathogenic (1 of 4 stars; one submission).

Conditions:
Duane-radial ray syndrome (DRRS). Also called: Duane-Radial Ray Syndrome (DRRS) / Okihiro Syndrome; ACRORENOOCULAR SYNDROME; DR SYNDROME; DUANE ANOMALY WITH RADIAL RAY ABNORMALITIES AND DEAFNESS; Okihiro Syndrome; Duane-Radial Ray Syndrome/Okihiro Syndrome. Identifiers: Orphanet 93293, Orphanet 959, MedGen C1623209, MONDO:0011812, OMIM 607323. Disease mechanism: gain of function.

Submission:

Labcorp Genetics (formerly Invitae), Labcorp
Classification: Pathogenic for Duane-radial ray syndrome. Last evaluated: 2023-09-21. Review status: criteria provided, single submitter. Criteria: Invitae Variant Classification Sherloc (09022015). Collection method: clinical testing. Allele origin: germline.
Comment: For these reasons, this variant has been classified as Pathogenic. ClinVar contains an entry for this variant (Variation ID: 854661). This variant has not been reported in the literature in individuals affected with SALL4-related conditions. This variant is not present in population databases (gnomAD no frequency). This sequence change creates a premature translational stop signal (p.Arg601*) in the SALL4 gene. It is expected to result in an absent or disrupted protein product. Loss-of-function variants in SALL4 are known to be pathogenic (PMID: 15342710, 16086360).

Literature cited by the submitters: PubMed 15342710; PubMed 16086360.

NM_020436.5(SALL4):c.1801C>T (p.Arg601Ter)

Gene: SALL4 (spalt like transcription factor 4; minus strand). Cytogenetic location: 20q13.2.
Variant type: single nucleotide variant.
Coding change: c.1801C>T on transcript NM_020436.5 (MANE Select); coding-DNA position 1801, C replaced by T.
Protein change: p.Arg601Ter; replaces arginine 601 with a stop codon.
Molecular consequence: nonsense. On other transcripts: intron variant (1).
Genome position (GRCh38, 1-based): chr20:51,790,682, G>A on the plus strand (C>T on the coding strand, the complement: SALL4 is on the minus strand). VCF-style: chr20-51790682-G-A. GRCh37 (hg19) VCF-style: chr20-50407221-G-A.
Other names: c.1150+651C>T (NM_001318031.2); short protein forms R601*.
Identifiers: ClinVar variation 854661 (VCV000854661.7), dbSNP rs2078031226, ClinGen allele CA409008979.